The following is an entry in ClinVar:

ClinVar aggregate classification (germline): Pathogenic (1 of 4 stars; one submission).

Conditions:
Ataxia-telangiectasia syndrome (AT). Also called: ATAXIA-TELANGIECTASIA, COMPLEMENTATION GROUP A; ATAXIA-TELANGIECTASIA, FRESNO VARIANT; Ataxia-telangiectasia, complementation group E; Ataxia telangiectasia (A-T); LOUIS-BAR SYNDROME; Cerebello-oculocutaneous telangiectasia. Identifiers: Orphanet 100, MedGen C0004135, MONDO:0008840, OMIM 208900.

Submission:

Labcorp Genetics (formerly Invitae), Labcorp
Classification: Pathogenic for Ataxia-telangiectasia syndrome. Last evaluated: 2021-12-21. Review status: criteria provided, single submitter. Criteria: Invitae Variant Classification Sherloc (09022015). Collection method: clinical testing. Allele origin: germline.
Comment: For these reasons, this variant has been classified as Pathogenic. This variant has not been reported in the literature in individuals affected with ATM-related conditions. This variant is a gross deletion of the genomic region encompassing exon(s) 46-59 of the ATM gene. This deletion is out-of-frame, and is expected to create a premature termination codon and result in an absent or disrupted protein product. Loss-of-function variants in ATM are known to be pathogenic (PMID: 23807571, 25614872).

Literature cited by the submitters: PubMed 23807571; PubMed 25614872.

NC_000011.10:g.(?_108325300)_(108347375_?)del

Gene: ATM (ATM serine/threonine kinase; plus strand). Cytogenetic location: 11q22.3.
Variant type: Deletion.
Identifiers: ClinVar variation 831565 (VCV000831565.8).